The following is an entry in ClinVar:

NM_177438.3(DICER1):c.670C>G (p.Gln224Glu)

Gene: DICER1 (dicer 1, ribonuclease III; minus strand). Cytogenetic location: 14q32.13.
Variant type: single nucleotide variant.
Coding change: c.670C>G on transcript NM_177438.3 (MANE Select); coding-DNA position 670, C replaced by G.
Protein change: p.Gln224Glu; replaces glutamine 224 with glutamic acid.
Molecular consequence: missense variant.
Genome position (GRCh38, 1-based): chr14:95,129,536, G>C on the plus strand (C>G on the coding strand, the complement: DICER1 is on the minus strand). VCF-style: chr14-95129536-G-C. GRCh37 (hg19) VCF-style: chr14-95595873-G-C.
Other names: c.670C>G, p.Gln224Glu (NM_001195573.1, NM_001271282.3, NM_001291628.2 and 1 more transcripts); short protein forms Q224E.
Identifiers: ClinVar variation 651392 (VCV000651392.13), dbSNP rs1595456904, ClinGen allele CA390888098.
Genomic context (GRCh38, chr14:95,129,536, plus strand): 5'-CTAAGACCACCAGGTCAGTTGCAGTTTCAGCATTACTCTTAAGAATTTTCTCTAGTTTCT[G>C]AATCTTTTCTTCCAATTCCTCTGGATCACATTTCCCATTTAAAATGGAAGCAGTTAGTCC-3'
Protein context (NP_803187.1, residues 214-234): CDPEELEEKI[Gln224Glu]KLEKILKSNA

ClinVar aggregate classification (germline): Uncertain significance. Review status: criteria provided, multiple submitters, no conflicts (2 of 4 stars). 2 submissions from 2 submitters: Uncertain significance (2). Last evaluated 2025-05-07.

Conditions:
DICER1-related tumor predisposition. Also called: DICER1-related pleuropulmonary blastoma cancer predisposition syndrome; DICER1 syndrome. Identifiers: Orphanet 284343, MedGen C3839822, MONDO:0100216.
Hereditary cancer-predisposing syndrome. Also called: Hereditary Cancer Syndrome; Tumor predisposition; Neoplastic Syndromes, Hereditary; Hereditary neoplastic syndrome. Identifiers: Orphanet 140162, MedGen C0027672, MeSH D009386, MONDO:0015356.

gnomAD v4.1: 1 of 1,613,932 alleles (0.000062%); highest among the groups gnomAD compares: South Asian, 0.0011%; no homozygotes.

Submissions (2):

Ambry Genetics
Classification: Uncertain significance for Hereditary cancer-predisposing syndrome. Last evaluated: 2025-05-07. Review status: criteria provided, single submitter. Criteria: Ambry Variant Classification Scheme 2023. Collection method: clinical testing. Allele origin: germline.
Comment: The p.Q224E variant (also known as c.670C>G), located in coding exon 5 of the DICER1 gene, results from a C to G substitution at nucleotide position 670. The glutamine at codon 224 is replaced by glutamic acid, an amino acid with highly similar properties. This amino acid position is well conserved in available vertebrate species. In addition, this alteration is predicted to be tolerated by in silico analysis. Since supporting evidence is limited at this time, the clinical significance of this alteration remains unclear.

Labcorp Genetics (formerly Invitae), Labcorp
Classification: Uncertain significance for DICER1-related tumor predisposition. Last evaluated: 2018-10-22. Review status: criteria provided, single submitter. Criteria: Invitae Variant Classification Sherloc (09022015). Collection method: clinical testing. Allele origin: germline.
Comment: In summary, the available evidence is currently insufficient to determine the role of this variant in disease. Therefore, it has been classified as a Variant of Uncertain Significance. Algorithms developed to predict the effect of missense changes on protein structure and function (SIFT, PolyPhen-2, Align-GVGD) all suggest that this variant is likely to be tolerated, but these predictions have not been confirmed by published functional studies and their clinical significance is uncertain. This variant has not been reported in the literature in individuals with DICER1-related disease. This variant is not present in population databases (ExAC no frequency). This sequence change replaces glutamine with glutamic acid at codon 224 of the DICER1 protein (p.Gln224Glu). The glutamine residue is moderately conserved and there is a small physicochemical difference between glutamine and glutamic acid.